The following is an entry in ClinVar:

NM_002303.6(LEPR):c.1656A>C (p.Gly552=)

Gene: LEPR (leptin receptor; plus strand). Cytogenetic location: 1p31.3.
Variant type: single nucleotide variant.
Coding change: c.1656A>C on transcript NM_002303.6 (MANE Select); coding-DNA position 1656, A replaced by C.
Protein change: p.Gly552=; no amino-acid change (glycine 552 retained).
Molecular consequence: synonymous variant.
Genome position (GRCh38, 1-based): chr1:65,608,805, A>C. VCF-style: chr1-65608805-A-C. GRCh37 (hg19) VCF-style: chr1-66074488-A-C.
Other names: c.1656A>C, p.Gly552= (NM_001003679.3, NM_001003680.3, NM_001198687.2 and 2 more transcripts).
Identifiers: ClinVar variation 4994816 (VCV004994816.1).
Genomic context (GRCh38, chr1:65,608,805, plus strand): 5'-ATTTCTAGTGAAGCCACTGCCTCCATCCAGTGTGAAAGCAGAAATTACTATAAACATTGG[A>C]TTATTGAAAATATCTTGGGAAAAGCCAGTCTTTCCAGAGAATAACCTTCAATTCCAGATT-3'
Protein context (NP_002294.2, residues 542-562): SVKAEITINI[Gly552=]LLKISWEKPV

ClinVar aggregate classification (germline): Likely benign (1 of 4 stars; one submission).

Conditions:
LEPR-related disorder. Also called: LEPR-related condition; LEPR-related disorders.

gnomAD v4.1: 1 of 1,613,794 alleles (0.000062%); highest among the groups gnomAD compares: Middle Eastern, 0.017%; no homozygotes.

Submission:

PreventionGenetics, part of Exact Sciences
Classification: Likely benign for LEPR-related condition. Last evaluated: 2026-03-17. Review status: criteria provided, single submitter. Criteria: ACMG Guidelines, 2015. Collection method: clinical testing. Allele origin: germline.
Comment: This variant is classified as likely benign based on ACMG/AMP sequence variant interpretation guidelines (Richards et al. 2015 PMID: 25741868, with internal and published modifications).